The following is an entry in ClinVar:

ClinVar aggregate classification (germline): Uncertain significance. Review status: criteria provided, multiple submitters, no conflicts (2 of 4 stars). 2 submissions from 2 submitters: Uncertain significance (2). Last evaluated 2025-03-27.

Conditions:
Hereditary cancer-predisposing syndrome. Also called: Neoplastic Syndromes, Hereditary; Tumor predisposition; Hereditary neoplastic syndrome; Hereditary Cancer Syndrome. Identifiers: Orphanet 140162, MedGen C0027672, MeSH D009386, MONDO:0015356.

Submissions (2):

Ambry Genetics
Classification: Uncertain significance for Hereditary cancer-predisposing syndrome. Last evaluated: 2025-03-27. Review status: criteria provided, single submitter. Criteria: Ambry Variant Classification Scheme 2023. Collection method: clinical testing. Allele origin: germline.
Comment: The p.Q1938P variant (also known as c.5813A>C), located in coding exon 43 of the POLE gene, results from an A to C substitution at nucleotide position 5813. The glutamine at codon 1938 is replaced by proline, an amino acid with similar properties. This amino acid position is poorly conserved in available vertebrate species. In addition, this alteration is predicted to be tolerated by in silico analysis. Based on the available evidence, the clinical significance of this variant remains unclear.

Labcorp Genetics (formerly Invitae), Labcorp
Classification: Uncertain significance. Last evaluated: 2023-04-06. Review status: criteria provided, single submitter. Criteria: Invitae Variant Classification Sherloc (09022015). Collection method: clinical testing. Allele origin: germline.
Comment: This variant has not been reported in the literature in individuals affected with POLE-related conditions. This variant is not present in population databases (gnomAD no frequency). This sequence change replaces glutamine, which is neutral and polar, with proline, which is neutral and non-polar, at codon 1938 of the POLE protein (p.Gln1938Pro). ClinVar contains an entry for this variant (Variation ID: 663003). In summary, the available evidence is currently insufficient to determine the role of this variant in disease. Therefore, it has been classified as a Variant of Uncertain Significance. Algorithms developed to predict the effect of sequence changes on RNA splicing suggest that this variant may create or strengthen a splice site. Algorithms developed to predict the effect of missense changes on protein structure and function output the following: SIFT: "Not Available"; PolyPhen-2: "Benign"; Align-GVGD: "Not Available". The proline amino acid residue is found in multiple mammalian species, which suggests that this missense change does not adversely affect protein function.

NM_006231.4(POLE):c.5813A>C (p.Gln1938Pro)

Gene: POLE (DNA polymerase epsilon, catalytic subunit; minus strand). Cytogenetic location: 12q24.33.
Variant type: single nucleotide variant.
Coding change: c.5813A>C on transcript NM_006231.4 (MANE Select); coding-DNA position 5813, A replaced by C.
Protein change: p.Gln1938Pro; replaces glutamine 1938 with proline.
Molecular consequence: missense variant.
Genome position (GRCh38, 1-based): chr12:132,634,377, T>G on the plus strand (A>C on the coding strand, the complement: POLE is on the minus strand). VCF-style: chr12-132634377-T-G. GRCh37 (hg19) VCF-style: chr12-133210963-T-G.
Other names: c.5813A>C (NM_006231.2); short protein forms Q1938P.
Identifiers: ClinVar variation 663003 (VCV000663003.9), dbSNP rs1593712524, ClinGen allele CA387371922.